The following is an entry in ClinVar:

ClinVar aggregate classification (germline): Uncertain significance (1 of 4 stars; one submission).

Allele frequency attached by ClinVar (database versions not stated): TOPMed below 0.00001; gnomAD 0.00001.

Submission:

Labcorp Genetics (formerly Invitae), Labcorp
Classification: Uncertain significance. Last evaluated: 2025-12-30. Review status: criteria provided, single submitter. Criteria: Invitae Variant Classification Sherloc (09022015). Collection method: clinical testing. Allele origin: germline.
Comment: This sequence change replaces aspartic acid, which is acidic and polar, with alanine, which is neutral and non-polar, at codon 978 of the COL11A2 protein (p.Asp978Ala). This variant is not present in population databases (gnomAD no frequency). This variant has not been reported in the literature in individuals affected with COL11A2-related conditions. ClinVar contains an entry for this variant (Variation ID: 2146967). Invitae Evidence Modeling of protein sequence and biophysical properties (such as structural, functional, and spatial information, amino acid conservation, physicochemical variation, residue mobility, and thermodynamic stability) indicates that this missense variant is not expected to disrupt COL11A2 protein function with a negative predictive value of 95%. In summary, the available evidence is currently insufficient to determine the role of this variant in disease. Therefore, it has been classified as a Variant of Uncertain Significance.

NM_080680.3(COL11A2):c.2933A>C (p.Asp978Ala)

Gene: COL11A2 (collagen type XI alpha 2 chain; minus strand). Cytogenetic location: 6p21.32.
Variant type: single nucleotide variant.
Coding change: c.2933A>C on transcript NM_080680.3 (MANE Select); coding-DNA position 2933, A replaced by C.
Protein change: p.Asp978Ala; replaces aspartic acid 978 with alanine.
Molecular consequence: missense variant.
Genome position (GRCh38, 1-based): chr6:33,172,344, T>G on the plus strand (A>C on the coding strand, the complement: COL11A2 is on the minus strand). VCF-style: chr6-33172344-T-G. GRCh37 (hg19) VCF-style: chr6-33140121-T-G.
Other names: c.2612A>C, p.Asp871Ala (NM_080679.3); c.2675A>C, p.Asp892Ala (NM_080681.3); short protein forms D978A, D871A, D892A.
Identifiers: ClinVar variation 2146967 (VCV002146967.3), dbSNP rs1484454426, ClinGen allele CA363636995.